The following is an entry in ClinVar:

NM_006580.4(CLDN16):c.505G>A (p.Gly169Arg)

Gene: CLDN16 (claudin 16; plus strand). Cytogenetic location: 3q28.
Variant type: single nucleotide variant.
Coding change: c.505G>A on transcript NM_006580.4 (MANE Select); coding-DNA position 505, G replaced by A.
Protein change: p.Gly169Arg; replaces glycine 169 with arginine.
Molecular consequence: missense variant.
Genome position (GRCh38, 1-based): chr3:190,408,436, G>A. VCF-style: chr3-190408436-G-A. GRCh37 (hg19) VCF-style: chr3-190126225-G-A.
Other names: c.505G>A, p.Gly169Arg (NM_001378492.1, NM_001378493.1); short protein forms G239R, G169R.
Identifiers: ClinVar variation 5926 (VCV000005926.7), dbSNP rs104893721, ClinGen allele CA117859.

ClinVar aggregate classification (germline): Pathogenic. Review status: criteria provided, multiple submitters, no conflicts (2 of 4 stars). 3 submissions from 3 submitters: Pathogenic (2). 1 of the submissions does not count toward it. Last evaluated 2024-02-28.

Conditions:
Primary hypomagnesemia (HOMG3). Also called: HYPOMAGNESEMIA, FAMILIAL, WITH HYPERCALCIURIA AND NEPHROCALCINOSIS; HYPOMAGNESEMIA, ISOLATED RENAL; HYPOMAGNESEMIA, PRIMARY, DUE TO DEFECT IN RENAL TUBULAR TRANSPORT OF MAGNESIUM; HYPOMAGNESEMIA 3, RENAL. Identifiers: Orphanet 31043, MedGen C0268448, MONDO:0009550, OMIM 248250.

Allele frequency attached by ClinVar (database versions not stated): gnomAD exomes below 0.00001; TOPMed below 0.00001; ExAC 0.00001; gnomAD 0.00001.
gnomAD v4.1: 22 of 1,613,964 alleles (0.0014%); highest among the groups gnomAD compares: Middle Eastern, 0.016%; no homozygotes.

Submissions (3):

Fulgent Genetics
Classification: Pathogenic for Primary hypomagnesemia. Last evaluated: 2024-02-28. Review status: criteria provided, single submitter. Criteria: ACMG Guidelines, 2015. Collection method: clinical testing. Allele origin: germline.

Labcorp Genetics (formerly Invitae), Labcorp
Classification: Pathogenic. Last evaluated: 2021-11-03. Review status: criteria provided, single submitter. Criteria: Invitae Variant Classification Sherloc (09022015). Collection method: clinical testing. Allele origin: germline.
Comment: For these reasons, this variant has been classified as Pathogenic. Algorithms developed to predict the effect of sequence changes on RNA splicing suggest that this variant may create or strengthen a splice site. Experimental studies have shown that this missense change affects CLDN16 function (PMID: 16234325). Algorithms developed to predict the effect of missense changes on protein structure and function are either unavailable or do not agree on the potential impact of this missense change (SIFT: "Deleterious"; PolyPhen-2: "Probably Damaging"; Align-GVGD: "Class C15"). ClinVar contains an entry for this variant (Variation ID: 5926). This missense change has been observed in individuals with hypomagnesemia with hypercalciuria and nephrocalcinosis (PMID: 10390358, 10878661, 11518780, 18003771, 25477417). This variant is present in population databases (rs104893721, gnomAD 0.002%). This sequence change replaces glycine, which is neutral and non-polar, with arginine, which is basic and polar, at codon 239 of the CLDN16 protein (p.Gly239Arg).

OMIM
Classification: Pathogenic for HYPOMAGNESEMIA 3, RENAL. Last evaluated: 2000-06-01. Review status: no assertion criteria provided. Collection method: literature only. Allele origin: germline. Not counted in ClinVar's aggregate classification.

Literature cited by the submitters: PubMed 16234325 (cited by Labcorp Genetics (formerly Invitae), Labcorp); PubMed 10390358 (cited by Labcorp Genetics (formerly Invitae), Labcorp and OMIM); PubMed 10878661 (cited by Labcorp Genetics (formerly Invitae), Labcorp and OMIM); PubMed 11518780 (cited by Labcorp Genetics (formerly Invitae), Labcorp); PubMed 18003771 (cited by Labcorp Genetics (formerly Invitae), Labcorp); PubMed 25477417 (cited by Labcorp Genetics (formerly Invitae), Labcorp); PubMed 26426912 (cited by OMIM).